The following is an entry in ClinVar:

ClinVar aggregate classification (germline): Uncertain significance (1 of 4 stars; one submission).

Allele frequency attached by ClinVar (database versions not stated): ExAC 0.00001; gnomAD 0.00001; gnomAD exomes 0.00002; TOPMed 0.00002.
gnomAD v4.1: 27 of 1,614,046 alleles (0.0017%); highest among the groups gnomAD compares: Non-Finnish European, 0.0022%; no homozygotes.

Submission:

Labcorp Genetics (formerly Invitae), Labcorp
Classification: Uncertain significance. Last evaluated: 2022-08-16. Review status: criteria provided, single submitter. Criteria: Invitae Variant Classification Sherloc (09022015). Collection method: clinical testing. Allele origin: germline.
Comment: This sequence change replaces threonine, which is neutral and polar, with alanine, which is neutral and non-polar, at codon 199 of the TYRP1 protein (p.Thr199Ala). This variant is present in population databases (rs771763544, gnomAD 0.003%). This variant has not been reported in the literature in individuals affected with TYRP1-related conditions. Algorithms developed to predict the effect of missense changes on protein structure and function are either unavailable or do not agree on the potential impact of this missense change (SIFT: "Tolerated"; PolyPhen-2: "Probably Damaging"; Align-GVGD: "Class C0"). In summary, the available evidence is currently insufficient to determine the role of this variant in disease. Therefore, it has been classified as a Variant of Uncertain Significance.

NM_000550.3(TYRP1):c.595A>G (p.Thr199Ala)

Gene: TYRP1 (tyrosinase related protein 1; plus strand). Cytogenetic location: 9p23.
Variant type: single nucleotide variant.
Coding change: c.595A>G on transcript NM_000550.3 (MANE Select); coding-DNA position 595, A replaced by G.
Protein change: p.Thr199Ala; replaces threonine 199 with alanine.
Molecular consequence: missense variant.
Genome position (GRCh38, 1-based): chr9:12,695,724, A>G. VCF-style: chr9-12695724-A-G. GRCh37 (hg19) VCF-style: chr9-12695724-A-G.
Other names: short protein forms T199A.
Identifiers: ClinVar variation 1986233 (VCV001986233.1), dbSNP rs771763544, ClinGen allele CA4985260.